The following is an entry in ClinVar:

NM_014159.7(SETD2):c.2323G>C (p.Val775Leu)

Gene: SETD2 (SET domain containing 2, histone lysine methyltransferase; minus strand). Cytogenetic location: 3p21.31.
Variant type: single nucleotide variant.
Coding change: c.2323G>C on transcript NM_014159.7 (MANE Select); coding-DNA position 2323, G replaced by C.
Protein change: p.Val775Leu; replaces valine 775 with leucine.
Molecular consequence: missense variant. On other transcripts: non-coding transcript variant (1).
Genome position (GRCh38, 1-based): chr3:47,122,313, C>G on the plus strand (G>C on the coding strand, the complement: SETD2 is on the minus strand). VCF-style: chr3-47122313-C-G. GRCh37 (hg19) VCF-style: chr3-47163803-C-G.
Other names: c.2191G>C, p.Val731Leu (NM_001349370.3); short protein forms V775L, V731L.
Identifiers: ClinVar variation 1046391 (VCV001046391.5), dbSNP rs770481865, ClinGen allele CA352526859.

ClinVar aggregate classification (germline): Uncertain significance (1 of 4 stars; one submission).

Conditions:
Luscan-Lumish syndrome. Identifiers: Orphanet 597738, MedGen C4085873, MONDO:0014791, OMIM 616831.

Submission:

Labcorp Genetics (formerly Invitae), Labcorp
Classification: Uncertain significance for Luscan-Lumish syndrome. Last evaluated: 2020-03-14. Review status: criteria provided, single submitter. Criteria: Invitae Variant Classification Sherloc (09022015). Collection method: clinical testing. Allele origin: germline.
Comment: This variant has not been reported in the literature in individuals with SETD2-related conditions. In summary, the available evidence is currently insufficient to determine the role of this variant in disease. Therefore, it has been classified as a Variant of Uncertain Significance. Algorithms developed to predict the effect of missense changes on protein structure and function (SIFT, PolyPhen-2, Align-GVGD) all suggest that this variant is likely to be tolerated, but these predictions have not been confirmed by published functional studies and their clinical significance is uncertain. This variant is not present in population databases (ExAC no frequency). This sequence change replaces valine with leucine at codon 775 of the SETD2 protein (p.Val775Leu). The valine residue is weakly conserved and there is a small physicochemical difference between valine and leucine.